The following is an entry in ClinVar:

NM_004360.5(CDH1):c.1295A>G (p.Asn432Ser)

Gene: CDH1 (cadherin 1; plus strand). Cytogenetic location: 16q22.1.
Variant type: single nucleotide variant.
Coding change: c.1295A>G on transcript NM_004360.5 (MANE Select); coding-DNA position 1295, A replaced by G.
Protein change: p.Asn432Ser; replaces asparagine 432 with serine.
Molecular consequence: missense variant. On other transcripts: 5 prime UTR variant (2), intron variant (1).
Genome position (GRCh38, 1-based): chr16:68,813,470, A>G. VCF-style: chr16-68813470-A-G. GRCh37 (hg19) VCF-style: chr16-68847373-A-G.
Other names: c.-321A>G (NM_001317185.2); c.-525A>G (NM_001317186.2); c.1137+1207A>G (NM_001317184.2); short protein forms N432S.
Identifiers: ClinVar variation 1525648 (VCV001525648.9), dbSNP rs1230641631, ClinGen allele CA396461833.

ClinVar aggregate classification (germline): Conflicting classifications of pathogenicity. Review status: criteria provided, conflicting classifications (1 of 4 stars). 2 submissions from 2 submitters: Uncertain significance (1); Likely benign (1). Last evaluated 2025-11-25.

Conditions:
Hereditary diffuse gastric adenocarcinoma (HDGC). Also called: DIFFUSE GASTRIC AND LOBULAR BREAST CANCER SYNDROME. Identifiers: Orphanet 26106, MedGen C1708349, MONDO:0007648, OMIM 137215.
Hereditary cancer-predisposing syndrome. Also called: Tumor predisposition; Hereditary neoplastic syndrome; Neoplastic Syndromes, Hereditary; Hereditary Cancer Syndrome. Identifiers: Orphanet 140162, MedGen C0027672, MeSH D009386, MONDO:0015356.

Allele frequency attached by ClinVar (database versions not stated): gnomAD exomes below 0.00001.
gnomAD v4.1: 1 of 1,614,186 alleles (0.000062%); no homozygotes.

Submissions (2):

Ambry Genetics
Classification: Likely benign for Hereditary cancer-predisposing syndrome. Last evaluated: 2025-11-25. Review status: criteria provided, single submitter. Criteria: Ambry Variant Classification Scheme 2023. Collection method: clinical testing. Allele origin: germline.

Labcorp Genetics (formerly Invitae), Labcorp
Classification: Uncertain significance for Hereditary diffuse gastric adenocarcinoma. Last evaluated: 2024-01-18. Review status: criteria provided, single submitter. Criteria: Invitae Variant Classification Sherloc (09022015). Collection method: clinical testing. Allele origin: germline.
Comment: This sequence change replaces asparagine, which is neutral and polar, with serine, which is neutral and polar, at codon 432 of the CDH1 protein (p.Asn432Ser). This variant is present in population databases (no rsID available, gnomAD 0.01%). This variant has not been reported in the literature in individuals affected with CDH1-related conditions. ClinVar contains an entry for this variant (Variation ID: 1525648). An algorithm developed to predict the effect of missense changes on protein structure and function (PolyPhen-2) suggests that this variant is likely to be disruptive. In summary, the available evidence is currently insufficient to determine the role of this variant in disease. Therefore, it has been classified as a Variant of Uncertain Significance.